The following is an entry in ClinVar:

NM_080916.3(DGUOK):c.566T>C (p.Phe189Ser)

Gene: DGUOK (deoxyguanosine kinase; plus strand). Cytogenetic location: 2p13.1.
Variant type: single nucleotide variant.
Coding change: c.566T>C on transcript NM_080916.3 (MANE Select); coding-DNA position 566, T replaced by C.
Protein change: p.Phe189Ser; replaces phenylalanine 189 with serine.
Molecular consequence: missense variant. On other transcripts: non-coding transcript variant (2), intron variant (2).
Genome position (GRCh38, 1-based): chr2:73,950,707, T>C. VCF-style: chr2-73950707-T-C. GRCh37 (hg19) VCF-style: chr2-74177834-T-C.
Other names: c.275T>C, p.Phe92Ser (NM_001318860.2, NM_001318861.2); c.257T>C, p.Phe86Ser (NM_001318862.2, NM_001318863.2); c.443+3801T>C (NM_080918.3); c.425+3819T>C (NM_001318859.2); short protein forms F189S, F86S, F92S.
Identifiers: ClinVar variation 1900548 (VCV001900548.3), dbSNP rs936143906, ClinGen allele CA50408261.

ClinVar aggregate classification (germline): Uncertain significance (1 of 4 stars; one submission).

Allele frequency attached by ClinVar (database versions not stated): gnomAD exomes below 0.00001; TOPMed below 0.00001; gnomAD 0.00001.
gnomAD v4.1: 2 of 1,614,116 alleles (0.00012%); highest among the groups gnomAD compares: Non-Finnish European, 0.00017%; no homozygotes.

Submission:

Labcorp Genetics (formerly Invitae), Labcorp
Classification: Uncertain significance. Last evaluated: 2026-01-12. Review status: criteria provided, single submitter. Criteria: Invitae Variant Classification Sherloc (09022015). Collection method: clinical testing. Allele origin: germline.
Comment: This sequence change replaces phenylalanine, which is neutral and non-polar, with serine, which is neutral and polar, at codon 189 of the DGUOK protein (p.Phe189Ser). This variant is not present in population databases (gnomAD no frequency). This variant has not been reported in the literature in individuals affected with DGUOK-related conditions. ClinVar contains an entry for this variant (Variation ID: 1900548). Invitae Evidence Modeling of protein sequence and biophysical properties (such as structural, functional, and spatial information, amino acid conservation, physicochemical variation, residue mobility, and thermodynamic stability) indicates that this missense variant is expected to disrupt DGUOK protein function with a positive predictive value of 95%. In summary, the available evidence is currently insufficient to determine the role of this variant in disease. Therefore, it has been classified as a Variant of Uncertain Significance.